The following is an entry in ClinVar:

ClinVar aggregate classification (germline): Uncertain significance (1 of 4 stars; one submission).

Submission:

GeneDx
Classification: Uncertain significance. Last evaluated: 2016-11-28. Review status: criteria provided, single submitter. Criteria: GeneDx Variant Classification (06012015). Collection method: clinical testing. Allele origin: germline. Affected: yes.
Comment: The W82X variant in the UBE2G2 gene has not been reported previously as a pathogenic variant nor as a benign variant, to our knowledge. This variant is predicted to cause loss of normal protein function either through protein truncation or nonsense-mediated mRNA decay. The W82X variant was not observed in approximately 6500 individuals of European and African American ancestry in the NHLBI Exome Sequencing Project, indicating it is not a common benign variant in these populations. We interpret W82X as a variant of uncertain significance.

NM_003343.6(UBE2G2):c.330G>A (p.Trp110Ter)

Gene: UBE2G2 (ubiquitin conjugating enzyme E2 G2; minus strand). Cytogenetic location: 21q22.3.
Variant type: single nucleotide variant.
Coding change: c.330G>A on transcript NM_003343.6 (MANE Select); coding-DNA position 330, G replaced by A.
Protein change: p.Trp110Ter; replaces tryptophan 110 with a stop codon.
Molecular consequence: nonsense.
Genome position (GRCh38, 1-based): chr21:44,773,602, C>T on the plus strand (G>A on the coding strand, the complement: UBE2G2 is on the minus strand). VCF-style: chr21-44773602-C-T. GRCh37 (hg19) VCF-style: chr21-46193517-C-T.
Other names: c.120G>A, p.Trp40Ter (NM_001202489.2); c.246G>A, p.Trp82Ter (NM_182688.3); short protein forms W82*, W110*, W40*.
Identifiers: ClinVar variation 373304 (VCV000373304.1), dbSNP rs1057518338, ClinGen allele CA16043156.
Genomic context (GRCh38, chr21:44,773,602, plus strand): 5'-CTTACCTGCCAGCATGCTCACCACCGACAGCAGGATCTTCTCCACACTCTGCACAGGACT[C>T]CACCGCTCCGCGCTGCTCTCGTAGCCCATGGGGTCATCGCCTGGCGCGTGGAGGATGGAA-3'